The following is an entry in ClinVar:

ClinVar aggregate classification (germline): Uncertain significance. Review status: criteria provided, multiple submitters, no conflicts (2 of 4 stars). 2 submissions from 2 submitters: Uncertain significance (2). Last evaluated 2026-04-09.

Conditions:
Spastic paraplegia. Identifiers: MedGen C0037772, HP:0001258.

Submissions (2):

GeneDx
Classification: Uncertain significance. Last evaluated: 2026-04-09. Review status: criteria provided, single submitter. Criteria: GeneDx Variant Classification Process June 2021. Collection method: clinical testing. Allele origin: germline.
Comment: Not observed at significant frequency in large population cohorts (gnomAD); In silico analysis suggests that this missense variant does not alter protein structure/function; Has not been previously published as pathogenic or benign to our knowledge

Labcorp Genetics (formerly Invitae), Labcorp
Classification: Uncertain significance for Spastic paraplegia. Last evaluated: 2022-07-08. Review status: criteria provided, single submitter. Criteria: Invitae Variant Classification Sherloc (09022015). Collection method: clinical testing. Allele origin: germline.
Comment: Algorithms developed to predict the effect of missense changes on protein structure and function (SIFT, PolyPhen-2, Align-GVGD) all suggest that this variant is likely to be disruptive. This sequence change replaces valine, which is neutral and non-polar, with isoleucine, which is neutral and non-polar, at codon 641 of the KDM5C protein (p.Val641Ile). This variant is not present in population databases (gnomAD no frequency). This variant has not been reported in the literature in individuals affected with KDM5C-related conditions. In summary, the available evidence is currently insufficient to determine the role of this variant in disease. Therefore, it has been classified as a Variant of Uncertain Significance.

NM_004187.5(KDM5C):c.1921G>A (p.Val641Ile)

Gene: KDM5C (lysine demethylase 5C; minus strand). Cytogenetic location: Xp11.22.
Variant type: single nucleotide variant.
Coding change: c.1921G>A on transcript NM_004187.5 (MANE Select); coding-DNA position 1921, G replaced by A.
Protein change: p.Val641Ile; replaces valine 641 with isoleucine.
Molecular consequence: missense variant. On other transcripts: non-coding transcript variant (3).
Genome position (GRCh38, 1-based): chrX:53,201,690, C>T on the plus strand (G>A on the coding strand, the complement: KDM5C is on the minus strand). VCF-style: chrX-53201690-C-T. GRCh37 (hg19) VCF-style: chrX-53230872-C-T.
Other names: c.1720G>A, p.Val574Ile (NM_001146702.2); c.1918G>A, p.Val640Ile (NM_001282622.3, NM_001353979.2, NM_001353982.2); c.1921G>A, p.Val641Ile (NM_001353978.3, NM_001353981.2, NM_001353984.2); c.1921G>A (NM_004187.2); short protein forms V574I, V640I, V641I.
Identifiers: ClinVar variation 2014967 (VCV002014967.5), dbSNP rs2146866216, ClinGen allele CA413123607.